The following is an entry in ClinVar:

NM_001032283.3(TMPO):c.565+1575G>A

Gene: TMPO (thymopoietin; plus strand). Cytogenetic location: 12q23.1.
Variant type: single nucleotide variant.
Coding change: c.565+1575G>A on transcript NM_001032283.3 (MANE Select); 1575 bases into the intron after coding-DNA position 565, G replaced by A.
Molecular consequence: intron variant. On other transcripts: missense variant (1).
Genome position (GRCh38, 1-based): chr12:98,533,413, G>A. VCF-style: chr12-98533413-G-A. GRCh37 (hg19) VCF-style: chr12-98927191-G-A.
Other names: c.1156G>A, p.Val386Ile (NM_003276.2); c.565+1575G>A (NM_001307975.2, NM_001032284.3); short protein forms V386I.
Identifiers: ClinVar variation 410626 (VCV000410626.9), dbSNP rs1060502980, ClinGen allele CA16614205.
Genomic context (GRCh38, chr12:98,533,413, plus strand): 5'-TCACAACTAATTTCTCCGCCACTTGCCCAGGCAATCAGAGATTATGTCAATTCTCTGTTG[G>A]TCCAGGGTGGGGTAGGTAGTTTGCCTGGAACTTCTAACTCTATGCCCCCACTGGATGTAG-3'

ClinVar aggregate classification (germline): Uncertain significance (1 of 4 stars; one submission).

Conditions:
Loeys-Dietz syndrome 2 (LDS2). Also called: TGFBR2-Related Loeys-Dietz Syndrome; Marfan syndrome, type 2 (formerly); AORTIC ANEURYSM, FAMILIAL THORACIC 3; MARFAN SYNDROME, TYPE II; Marfan Syndrome type 2; Marfan like connective tissue disorder. Identifiers: Orphanet 284973, Orphanet 558, MedGen C2674574, MONDO:0012427, OMIM 610168.

Submission:

Labcorp Genetics (formerly Invitae), Labcorp
Classification: Uncertain significance for Loeys-Dietz syndrome 2. Last evaluated: 2024-09-29. Review status: criteria provided, single submitter. Criteria: Invitae Variant Classification Sherloc (09022015). Collection method: clinical testing. Allele origin: germline.
Comment: This sequence change replaces valine, which is neutral and non-polar, with isoleucine, which is neutral and non-polar, at codon 386 of the TMPO protein (p.Val386Ile). This variant is not present in population databases (gnomAD no frequency). This variant has not been reported in the literature in individuals affected with TMPO-related conditions. ClinVar contains an entry for this variant (Variation ID: 410626). Invitae Evidence Modeling of protein sequence and biophysical properties (such as structural, functional, and spatial information, amino acid conservation, physicochemical variation, residue mobility, and thermodynamic stability) indicates that this missense variant is not expected to disrupt TMPO protein function with a negative predictive value of 80%. In summary, the available evidence is currently insufficient to determine the role of this variant in disease. Therefore, it has been classified as a Variant of Uncertain Significance.